The following is an entry in ClinVar:

ClinVar aggregate classification (germline): Uncertain significance (1 of 4 stars; one submission).

Conditions:
Charcot-Marie-Tooth disease type 2R. Also called: Charcot-Marie-Tooth disease, axonal, type 2R; CHARCOT-MARIE-TOOTH DISEASE, AXONAL, AUTOSOMAL RECESSIVE, TYPE 2R; CHARCOT-MARIE-TOOTH NEUROPATHY, TYPE 2R. Identifiers: Orphanet 397968, MedGen C3809655, MONDO:0014208, OMIM 615490.

Allele frequency attached by ClinVar (database versions not stated): gnomAD exomes below 0.00001; TOPMed 0.00002; gnomAD 0.00003.
gnomAD v4.1: 8 of 1,610,054 alleles (0.0005%); highest among the groups gnomAD compares: Admixed American, 0.01%; no homozygotes.

Submission:

Labcorp Genetics (formerly Invitae), Labcorp
Classification: Uncertain significance for Charcot-Marie-Tooth disease type 2R. Last evaluated: 2025-02-26. Review status: criteria provided, single submitter. Criteria: Invitae Variant Classification Sherloc (09022015). Collection method: clinical testing. Allele origin: germline.
Comment: This sequence change replaces glutamine, which is neutral and polar, with lysine, which is basic and polar, at codon 508 of the TRIM2 protein (p.Gln508Lys). This variant is present in population databases (rs114585315, gnomAD 0.009%). This variant has not been reported in the literature in individuals affected with TRIM2-related conditions. ClinVar contains an entry for this variant (Variation ID: 2154640). An algorithm developed to predict the effect of missense changes on protein structure and function (PolyPhen-2) suggests that this variant is likely to be disruptive. In summary, the available evidence is currently insufficient to determine the role of this variant in disease. Therefore, it has been classified as a Variant of Uncertain Significance.

NM_015271.5(TRIM2):c.1603C>A (p.Gln535Lys)

Gene: TRIM2 (tripartite motif containing 2; plus strand). Cytogenetic location: 4q31.3.
Variant type: single nucleotide variant.
Coding change: c.1603C>A on transcript NM_015271.5 (MANE Select); coding-DNA position 1603, C replaced by A.
Protein change: p.Gln535Lys; replaces glutamine 535 with lysine.
Molecular consequence: missense variant.
Genome position (GRCh38, 1-based): chr4:153,315,577, C>A. VCF-style: chr4-153315577-C-A. GRCh37 (hg19) VCF-style: chr4-154236729-C-A.
Other names: c.1522C>A, p.Gln508Lys (NM_001130067.2, NM_001351056.2, NM_001375512.1 and 5 more transcripts); c.1576C>A, p.Gln526Lys (NM_001351054.2); c.1573C>A, p.Gln525Lys (NM_001351055.2); c.1147C>A, p.Gln383Lys (NM_001351057.2); c.1696C>A, p.Gln566Lys (NM_001375488.1); c.1693C>A, p.Gln565Lys (NM_001375489.1); c.1546C>A, p.Gln516Lys (NM_001375490.1); c.1543C>A, p.Gln515Lys (NM_001375491.1); and 3 more; short protein forms Q422K, Q423K, Q516K, Q525K, Q535K, Q565K, Q383K, Q508K.
Identifiers: ClinVar variation 2154640 (VCV002154640.4), dbSNP rs114585315, ClinGen allele CA107890825.